The following is an entry in ClinVar:

ClinVar aggregate classification (germline): Uncertain significance. Review status: criteria provided, multiple submitters, no conflicts (2 of 4 stars). 2 submissions from 2 submitters: Uncertain significance (2). Last evaluated 2022-10-21.

Conditions:
Hereditary cancer-predisposing syndrome. Also called: Neoplastic Syndromes, Hereditary; Hereditary Cancer Syndrome; Hereditary neoplastic syndrome; Tumor predisposition. Identifiers: Orphanet 140162, MedGen C0027672, MeSH D009386, MONDO:0015356.
Gastrointestinal stromal tumor. Also called: Gastrointestinal stromal tumor, somatic; Gastrointestinal stroma tumor. Identifiers: Orphanet 44890, MedGen C0238198, MeSH D046152, MONDO:0011719, OMIM 606764, HP:0100723.

Submissions (2):

Labcorp Genetics (formerly Invitae), Labcorp
Classification: Uncertain significance for Gastrointestinal stromal tumor. Last evaluated: 2022-10-21. Review status: criteria provided, single submitter. Criteria: Invitae Variant Classification Sherloc (09022015). Collection method: clinical testing. Allele origin: germline.
Comment: This sequence change replaces threonine, which is neutral and polar, with isoleucine, which is neutral and non-polar, at codon 922 of the PDGFRA protein (p.Thr922Ile). This variant is not present in population databases (gnomAD no frequency). This variant has not been reported in the literature in individuals affected with PDGFRA-related conditions. ClinVar contains an entry for this variant (Variation ID: 1007164). Advanced modeling of protein sequence and biophysical properties (such as structural, functional, and spatial information, amino acid conservation, physicochemical variation, residue mobility, and thermodynamic stability) performed at Invitae indicates that this missense variant is not expected to disrupt PDGFRA protein function. In summary, the available evidence is currently insufficient to determine the role of this variant in disease. Therefore, it has been classified as a Variant of Uncertain Significance.

Ambry Genetics
Classification: Uncertain significance for Hereditary cancer-predisposing syndrome. Last evaluated: 2021-12-01. Review status: criteria provided, single submitter. Criteria: Ambry Variant Classification Scheme 2023. Collection method: clinical testing. Allele origin: germline.
Comment: The p.T922I variant (also known as c.2765C>T), located in coding exon 19 of the PDGFRA gene, results from a C to T substitution at nucleotide position 2765. The threonine at codon 922 is replaced by isoleucine, an amino acid with similar properties. This amino acid position is conserved. In addition, the in silico prediction for this alteration is inconclusive. Since supporting evidence is limited at this time, the clinical significance of this alteration remains unclear.

NM_006206.6(PDGFRA):c.2765C>T (p.Thr922Ile)

Gene: PDGFRA (platelet derived growth factor receptor alpha; plus strand). Cytogenetic location: 4q12.
Variant type: single nucleotide variant.
Coding change: c.2765C>T on transcript NM_006206.6 (MANE Select); coding-DNA position 2765, C replaced by T.
Protein change: p.Thr922Ile; replaces threonine 922 with isoleucine.
Molecular consequence: missense variant.
Genome position (GRCh38, 1-based): chr4:54,288,889, C>T. VCF-style: chr4-54288889-C-T. GRCh37 (hg19) VCF-style: chr4-55155056-C-T.
Other names: c.2840C>T, p.Thr947Ile (NM_001347828.2); c.2765C>T, p.Thr922Ile (NM_001347829.2); c.2804C>T, p.Thr935Ile (NM_001347830.2); short protein forms T922I, T935I, T947I.
Identifiers: ClinVar variation 1007164 (VCV001007164.11), dbSNP rs977162554, ClinGen allele CA356895608.